The following is an entry in ClinVar:

ClinVar aggregate classification (germline): Uncertain significance (1 of 4 stars; one submission).

Submission:

Labcorp Genetics (formerly Invitae), Labcorp
Classification: Uncertain significance. Last evaluated: 2025-08-21. Review status: criteria provided, single submitter. Criteria: Invitae Variant Classification Sherloc (09022015). Collection method: clinical testing. Allele origin: germline.
Comment: This variant, c.174_209dup, results in the insertion of 12 amino acid(s) of the RUNX2 protein (p.Gln60_Gln71dup), but otherwise preserves the integrity of the reading frame. This variant is not present in population databases (gnomAD no frequency). This variant has not been reported in the literature in individuals affected with RUNX2-related conditions. ClinVar contains an entry for this variant (Variation ID: 3702685). In summary, the available evidence is currently insufficient to determine the role of this variant in disease. Therefore, it has been classified as a Variant of Uncertain Significance.

NM_001024630.4(RUNX2):c.174_209dup (p.Gln71_Glu72insGlnGlnGlnGlnGlnGlnGlnGlnGlnGlnGlnGln)

Genes: RUNX2 (RUNX family transcription factor 2; plus strand), LOC109611589 (runt related transcription factor 2 polyalanine expansion region; plus strand). Cytogenetic location: 6p21.1.
Variant type: Duplication.
Coding change: c.174_209dup on transcript NM_001024630.4 (MANE Select); coding-DNA positions 174 to 209, 36 bases duplicated.
Protein change: p.Gln71_Glu72insGlnGlnGlnGlnGlnGlnGlnGlnGlnGlnGlnGln.
Genome position (GRCh38, 1-based): chr6:45,422,708-45,422,743, 36 bases duplicated; duplicating any 36 consecutive bases within chr6:45,422,682-45,422,743 gives the same sequence; the c. name uses the placement nearest the transcript's 3' end. GRCh37 (hg19): chr6:45,390,445-45,390,480.
Other names: c.132_167dup, p.Gln57_Glu58insGlnGlnGlnGlnGlnGlnGlnGlnGlnGlnGlnGln (NM_001278478.2, NM_001369405.1); c.174_209dup, p.Gln71_Glu72insGlnGlnGlnGlnGlnGlnGlnGlnGlnGlnGlnGln (NM_001015051.4).
Identifiers: ClinVar variation 3702685 (VCV003702685.2).